The following is an entry in ClinVar:

ClinVar aggregate classification (germline): Uncertain significance. Review status: criteria provided, multiple submitters, no conflicts (2 of 4 stars). 2 submissions from 2 submitters: Uncertain significance (2). Last evaluated 2024-12-24.

Conditions:
Inborn genetic diseases. Identifiers: MedGen C0950123, MeSH D030342.

Allele frequency attached by ClinVar (database versions not stated): gnomAD exomes below 0.00001; TOPMed below 0.00001; gnomAD 0.00001.

Submissions (2):

Labcorp Genetics (formerly Invitae), Labcorp
Classification: Uncertain significance. Last evaluated: 2024-12-24. Review status: criteria provided, single submitter. Criteria: Invitae Variant Classification Sherloc (09022015). Collection method: clinical testing. Allele origin: germline.
Comment: This sequence change replaces aspartic acid, which is acidic and polar, with asparagine, which is neutral and polar, at codon 13 of the MBD4 protein (p.Asp13Asn). This variant is not present in population databases (gnomAD no frequency). This variant has not been reported in the literature in individuals affected with MBD4-related conditions. ClinVar contains an entry for this variant (Variation ID: 2879676). An algorithm developed to predict the effect of missense changes on protein structure and function outputs the following: PolyPhen-2: "Possibly Damaging". The asparagine amino acid residue is found in multiple mammalian species, which suggests that this missense change does not adversely affect protein function. In summary, the available evidence is currently insufficient to determine the role of this variant in disease. Therefore, it has been classified as a Variant of Uncertain Significance.

Ambry Genetics
Classification: Uncertain significance for Inborn genetic diseases. Last evaluated: 2024-12-02. Review status: criteria provided, single submitter. Criteria: Ambry Variant Classification Scheme 2023. Collection method: clinical testing. Allele origin: germline.
Comment: The p.D13N variant (also known as c.37G>A), located in coding exon 1 of the MBD4 gene, results from a G to A substitution at nucleotide position 37. The aspartic acid at codon 13 is replaced by asparagine, an amino acid with highly similar properties. This amino acid position is conserved. In addition, this alteration is predicted to be tolerated by in silico analysis. Based on the available evidence, the clinical significance of this variant remains unclear.

NM_001276270.2(MBD4):c.37G>A (p.Asp13Asn)

Genes: MBD4 (methyl-CpG binding domain 4, DNA glycosylase; minus strand), LOC129937550 (ATAC-STARR-seq lymphoblastoid active region 20512; plus strand). Cytogenetic location: 3q21.3.
Variant type: single nucleotide variant.
Coding change: c.37G>A on transcript NM_001276270.2 (MANE Select); coding-DNA position 37, G replaced by A.
Protein change: p.Asp13Asn; replaces aspartic acid 13 with asparagine.
Molecular consequence: missense variant.
Genome position (GRCh38, 1-based): chr3:129,439,797, C>T on the plus strand (G>A on the coding strand, the complement: MBD4 is on the minus strand). VCF-style: chr3-129439797-C-T. GRCh37 (hg19) VCF-style: chr3-129158640-C-T.
Other names: c.37G>A, p.Asp13Asn (NM_001276271.2, NM_001276272.2, NM_001276273.2 and 1 more transcripts); short protein forms D13N.
Identifiers: ClinVar variation 2879676 (VCV002879676.4), dbSNP rs2072703244, ClinGen allele CA354468941.